The following is an entry in ClinVar:

ClinVar aggregate classification (germline): Uncertain significance. Review status: criteria provided, multiple submitters, no conflicts (2 of 4 stars). 2 submissions from 2 submitters: Uncertain significance (2). Last evaluated 2022-01-23.

Conditions:
DICER1-related tumor predisposition. Also called: DICER1 syndrome; DICER1-related pleuropulmonary blastoma cancer predisposition syndrome. Identifiers: Orphanet 284343, MedGen C3839822, MONDO:0100216.
Hereditary cancer-predisposing syndrome. Also called: Neoplastic Syndromes, Hereditary; Tumor predisposition; Hereditary Cancer Syndrome; Hereditary neoplastic syndrome. Identifiers: Orphanet 140162, MedGen C0027672, MeSH D009386, MONDO:0015356.

Allele frequency attached by ClinVar (database versions not stated): gnomAD exomes below 0.00001.
gnomAD v4.1: 1 of 1,614,180 alleles (0.000062%); no homozygotes.

Submissions (2):

Labcorp Genetics (formerly Invitae), Labcorp
Classification: Uncertain significance for DICER1-related tumor predisposition. Last evaluated: 2022-01-23. Review status: criteria provided, single submitter. Criteria: Invitae Variant Classification Sherloc (09022015). Collection method: clinical testing. Allele origin: germline.
Comment: This sequence change replaces asparagine, which is neutral and polar, with histidine, which is basic and polar, at codon 1305 of the DICER1 protein (p.Asn1305His). This variant is not present in population databases (gnomAD no frequency). This variant has not been reported in the literature in individuals affected with DICER1-related conditions. Algorithms developed to predict the effect of missense changes on protein structure and function (SIFT, PolyPhen-2, Align-GVGD) all suggest that this variant is likely to be disruptive. In summary, the available evidence is currently insufficient to determine the role of this variant in disease. Therefore, it has been classified as a Variant of Uncertain Significance.

Ambry Genetics
Classification: Uncertain significance for Hereditary cancer-predisposing syndrome. Last evaluated: 2020-06-18. Review status: criteria provided, single submitter. Criteria: Ambry Variant Classification Scheme 2023. Collection method: clinical testing. Allele origin: germline.
Comment: The p.N1305H variant (also known as c.3913A>C), located in coding exon 20 of the DICER1 gene, results from an A to C substitution at nucleotide position 3913. The asparagine at codon 1305 is replaced by histidine, an amino acid with similar properties. This amino acid position is highly conserved in available vertebrate species. In addition, the in silico prediction for this alteration is inconclusive. Since supporting evidence is limited at this time, the clinical significance of this alteration remains unclear.

NM_177438.3(DICER1):c.3913A>C (p.Asn1305His)

Gene: DICER1 (dicer 1, ribonuclease III; minus strand). Cytogenetic location: 14q32.13.
Variant type: single nucleotide variant.
Coding change: c.3913A>C on transcript NM_177438.3 (MANE Select); coding-DNA position 3913, A replaced by C.
Protein change: p.Asn1305His; replaces asparagine 1305 with histidine.
Molecular consequence: missense variant. On other transcripts: non-coding transcript variant (6).
Genome position (GRCh38, 1-based): chr14:95,103,483, T>G on the plus strand (A>C on the coding strand, the complement: DICER1 is on the minus strand). VCF-style: chr14-95103483-T-G. GRCh37 (hg19) VCF-style: chr14-95569820-T-G.
Other names: c.3913A>C, p.Asn1305His (NM_001195573.1, NM_001271282.3, NM_001291628.2 and 13 more transcripts); c.3631A>C, p.Asn1211His (NM_001395686.1); c.3508A>C, p.Asn1170His (NM_001395687.1, NM_001395688.1, NM_001395689.1 and 2 more transcripts); c.3346A>C, p.Asn1116His (NM_001395691.1); c.2230A>C, p.Asn744His (NM_001395697.1); short protein forms N1116H, N1211H, N1170H, N1305H, N744H.
Identifiers: ClinVar variation 1736128 (VCV001736128.7), dbSNP rs2139956453, ClinGen allele CA390873188.
Genomic context (GRCh38, chr14:95,103,483, plus strand): 5'-GCTTTAAAAAGGAGTCGCCAAGCATTTCAAGCCGCTCCAGGTTAAATCCATCACTAGCGT[T>G]TGACAGAGTCAAAGCCTGAAGAATAAGTCCAGGATTGGGGCCAAGAGTCCTTGAGGAGTA-3'
Protein context (NP_803187.1, residues 1295-1315): GLILQALTLS[Asn1305His]ASDGFNLERL